The following is an entry in ClinVar:

ClinVar aggregate classification (germline): Uncertain significance (1 of 4 stars; one submission).

Allele frequency attached by ClinVar (database versions not stated): gnomAD exomes below 0.00001.
gnomAD v4.1: 1 of 1,613,990 alleles (0.000062%); highest among the groups gnomAD compares: Admixed American, 0.0017%; no homozygotes.

Submission:

GeneDx
Classification: Uncertain significance. Last evaluated: 2024-12-16. Review status: criteria provided, single submitter. Criteria: GeneDx Variant Classification Process June 2021. Collection method: clinical testing. Allele origin: germline. Affected: yes.
Comment: In silico analysis supports that this missense variant has a deleterious effect on protein structure/function; Has not been previously published as pathogenic or benign to our knowledge

NM_002971.6(SATB1):c.911A>T (p.His304Leu)

Gene: SATB1 (SATB homeobox 1; minus strand). Cytogenetic location: 3p24.3.
Variant type: single nucleotide variant.
Coding change: c.911A>T on transcript NM_002971.6 (MANE Select); coding-DNA position 911, A replaced by T.
Protein change: p.His304Leu; replaces histidine 304 with leucine.
Molecular consequence: missense variant.
Genome position (GRCh38, 1-based): chr3:18,394,757, T>A on the plus strand (A>T on the coding strand, the complement: SATB1 is on the minus strand). VCF-style: chr3-18394757-T-A. GRCh37 (hg19) VCF-style: chr3-18436249-T-A.
Other names: c.911A>T, p.His304Leu (NM_001131010.4, NM_001195470.3, NM_001322871.2 and 4 more transcripts); c.695A>T, p.His232Leu (NM_001322876.2); short protein forms H232L, H304L.
Identifiers: ClinVar variation 2579351 (VCV002579351.2), dbSNP rs1430700062, ClinGen allele CA351856332.